The following is an entry in ClinVar:

NM_000540.3(RYR1):c.9555-9G>A

Gene: RYR1 (ryanodine receptor 1; plus strand). Cytogenetic location: 19q13.2.
Variant type: single nucleotide variant.
Coding change: c.9555-9G>A on transcript NM_000540.3 (MANE Select); 9 bases into the intron before coding-DNA position 9555, G replaced by A.
Molecular consequence: intron variant.
Genome position (GRCh38, 1-based): chr19:38,516,078, G>A. VCF-style: chr19-38516078-G-A. GRCh37 (hg19) VCF-style: chr19-39006718-G-A.
Other names: c.9555-9G>A (NM_001042723.2).
Identifiers: ClinVar variation 256585 (VCV000256585.59), dbSNP rs149569999, ClinGen allele CA073808.
Genomic context (GRCh38, chr19:38,516,078, plus strand): 5'-AGATGGGGCTGGGACCCAGGACCCCAAAGAGGGGGACACGTGGCAGCTAAACACAGCCCC[G>A]TCTTCCAGGCTTCGGCCAGCCCTCGGGGAGTGCCTGGCCCGTCTGGCAGCAGCCATGCCG-3'

ClinVar aggregate classification (germline): Conflicting classifications of pathogenicity. Review status: criteria provided, conflicting classifications (1 of 4 stars). 16 submissions from 15 submitters: Uncertain significance (1); Benign (3); Likely benign (8). 4 of the submissions do not count toward it. Last evaluated 2026-02-03.

Conditions:
Congenital multicore myopathy with external ophthalmoplegia (CMYO1B). Also called: MULTIMINICORE DISEASE WITH EXTERNAL OPHTHALMOPLEGIA; MULTICORE MYOPATHY; Minicore myopathy with external ophthalmoplegia; Congenital myopathy 1B, autosomal recessive; Minicore myopathy. Identifiers: Orphanet 598, Orphanet 98905, MedGen C1850674, MONDO:0009712, OMIM 255320, HP:0003789.
RYR1-related disorder. Also called: RYR1-related disorders; RYR1-related condition. Identifiers: MedGen CN239331.
Malignant hyperthermia, susceptibility to, 1 (MHS1). Also called: Anesthesia related hyperthermia; Malignant hyperpyrexia; Fulminating hyperpyrexia; Pharmacogenic myopathy; RYR1-Related Malignant Hyperthermia Susceptibility; Malignant hyperthermia suceptibility 1. Identifiers: Orphanet 423, MedGen C2930980, MONDO:0007783, OMIM 145600.

Allele frequency attached by ClinVar (database versions not stated): ESP Exome Variant Server 0.00093; gnomAD exomes 0.00161; 1000 Genomes Project 30x 0.00172; gnomAD 0.00180 and 0.00185; TOPMed 0.00180; 1000 Genomes Project 0.00220; ExAC 0.00239.
gnomAD v4.1: 2,525 of 1,547,376 alleles (0.16%); highest among the groups gnomAD compares: Middle Eastern, 0.36%; 15 homozygotes.

Submissions (16):

Labcorp Genetics (formerly Invitae), Labcorp
Classification: Benign for RYR1-related disorder. Last evaluated: 2026-02-03. Review status: criteria provided, single submitter. Criteria: Invitae Variant Classification Sherloc (09022015). Collection method: clinical testing. Allele origin: germline.

Women's Health and Genetics/Laboratory Corporation of America, LabCorp
Classification: Benign. Last evaluated: 2026-02-03. Review status: criteria provided, single submitter. Criteria: LabCorp Variant Classification Summary - May 2015. Collection method: clinical testing. Allele origin: germline.
Comment: Variant summary: RYR1 c.9555-9G>A alters a nucleotide located at a position not widely known to affect splicing. Consensus agreement among computation tools predict no significant impact on normal splicing. However, these predictions have yet to be confirmed by functional studies. The variant allele was found at a frequency of 0.0016 in 152998 control chromosomes, predominantly at a frequency of 0.0026 within the South Asian subpopulation in the gnomAD database, including 3 homozygotes. The observed variant frequency within South Asian control individuals in the gnomAD database exceeds the estimated maximal expected allele frequency for disease-causing variants in RYR1. c.9555-9G>A has been observed in individuals affected with RYR1-related Myopathy without clear evidence for causality (Klein_2012). These report(s) do not provide unequivocal conclusions about association of the variant with Congenital multicore myopathy with external ophthalmoplegia. To our knowledge, no experimental evidence demonstrating an impact on protein function has been reported. The following publication have been ascertained in the context of this evaluation (PMID: 22473935). ClinVar contains an entry for this variant (Variation ID: 256585). Based on the evidence outlined above, the variant was classified as benign.

ARUP Laboratories, Molecular Genetics and Genomics, ARUP Laboratories
Classification: Likely benign. Last evaluated: 2024-12-18. Review status: criteria provided, single submitter. Criteria: ARUP Molecular Germline Variant Investigation Process 2024. Collection method: clinical testing. Allele origin: germline.

Blueprint Genetics
Classification: Likely benign. Last evaluated: 2024-10-25. Review status: criteria provided, single submitter. Criteria: ACMG Guidelines, 2015. Collection method: clinical testing. Allele origin: germline.

CeGaT Center for Human Genetics Tuebingen
Classification: Likely benign. Last evaluated: 2023-01-01. Review status: criteria provided, single submitter. Criteria: CeGaT Center For Human Genetics Tuebingen Variant Classification Criteria Version 2. Collection method: clinical testing. Allele origin: germline. Affected: yes. Observed: 1 variant allele.
Comment: RYR1: BS2

Color Diagnostics, LLC DBA Color Health
Classification: Benign for Malignant hyperthermia, susceptibility to, 1. Last evaluated: 2022-09-20. Review status: criteria provided, single submitter. Criteria: ACMG Guidelines, 2015. Collection method: clinical testing. Allele origin: germline.

GeneDx
Classification: Likely benign. Last evaluated: 2020-11-12. Review status: criteria provided, single submitter. Criteria: GeneDx Variant Classification Process June 2021. Collection method: clinical testing. Allele origin: germline. Affected: yes.
Comment: This variant is associated with the following publications: (PMID: 22473935)

Laboratorio de Genetica e Diagnostico Molecular, Hospital Israelita Albert Einstein
Classification: Likely benign. Last evaluated: 2020-07-11. Review status: criteria provided, single submitter. Criteria: ACMG Guidelines, 2015. Collection method: clinical testing. Allele origin: germline. Affected: yes.
Comment: ACMG classification criteria: BS2, BP4

Illumina Laboratory Services, Illumina
Classification: Likely benign for Malignant hyperthermia, susceptibility to, 1. Last evaluated: 2018-01-12. Review status: criteria provided, single submitter. Criteria: ICSL Variant Classification Criteria 13 December 2019. Collection method: clinical testing. Allele origin: germline.
Comment: This variant was observed in the ICSL laboratory as part of a predisposition screen in an ostensibly healthy population. It had not been previously curated by ICSL or reported in the Human Gene Mutation Database (HGMD: prior to June 1st, 2018), and was therefore a candidate for classification through an automated scoring system. Utilizing variant allele frequency, disease prevalence and penetrance estimates, and inheritance mode, an automated score was calculated to assess if this variant is too frequent to cause the disease. Based on the score and internal cut-off values, a variant classified as likely benign is not then subjected to further curation. The score for this variant resulted in a classification of likely benign for this disease.

Illumina Laboratory Services, Illumina
Classification: Uncertain significance for Congenital multicore myopathy with external ophthalmoplegia. Last evaluated: 2018-01-12. Review status: criteria provided, single submitter. Criteria: ICSL Variant Classification Criteria 13 December 2019. Collection method: clinical testing. Allele origin: germline.

Eurofins Ntd Llc (ga)
Classification: Likely benign. Last evaluated: 2015-08-27. Review status: criteria provided, single submitter. Criteria: EGL Classification Definitions 2015. Collection method: clinical testing. Allele origin: germline. Observed: 1 variant allele, 1 heterozygote.

PreventionGenetics, part of Exact Sciences
Classification: Likely benign. Review status: criteria provided, single submitter. Criteria: ACMG Guidelines, 2015. Collection method: clinical testing. Allele origin: germline.

Clinical Genetics DNA and cytogenetics Diagnostics Lab, Erasmus MC, Erasmus Medical Center
Classification: Likely benign. Review status: no assertion criteria provided. Collection method: clinical testing. Allele origin: germline. Affected: yes. Study: VKGL Data-share Consensus. Not counted in ClinVar's aggregate classification.

Clinical Genetics, Academic Medical Center
Classification: Benign. Review status: no assertion criteria provided. Collection method: clinical testing. Allele origin: germline. Affected: yes. Study: VKGL Data-share Consensus. Not counted in ClinVar's aggregate classification.

Genome Diagnostics Laboratory, University Medical Center Utrecht
Classification: Benign. Review status: no assertion criteria provided. Collection method: clinical testing. Allele origin: germline. Affected: yes. Study: VKGL Data-share Consensus. Not counted in ClinVar's aggregate classification.

Joint Genome Diagnostic Labs from Nijmegen and Maastricht, Radboudumc and MUMC+
Classification: Benign. Review status: no assertion criteria provided. Collection method: clinical testing. Allele origin: germline. Affected: yes. Study: VKGL Data-share Consensus. Not counted in ClinVar's aggregate classification.

Literature cited by the submitters: PubMed 22473935 (cited by Women's Health and Genetics/Laboratory Corporation of America, LabCorp).